The following is an entry in ClinVar:

ClinVar aggregate classification (germline): Uncertain significance (1 of 4 stars; one submission).

Conditions:
Autoimmune lymphoproliferative syndrome type 2A (ALPS2A). Also called: CASP10-Related Autoimmune Lymphoproliferative Syndrome; AUTOIMMUNE LYMPHOPROLIFERATIVE SYNDROME, TYPE IIA; Autoimmune lymphoproliferative syndrome type 2. Identifiers: Orphanet 3261, MedGen C1858968, MONDO:0011383, OMIM 603909.

Submission:

Labcorp Genetics (formerly Invitae), Labcorp
Classification: Uncertain significance for Autoimmune lymphoproliferative syndrome type 2A. Last evaluated: 2025-08-21. Review status: criteria provided, single submitter. Criteria: Invitae Variant Classification Sherloc (09022015). Collection method: clinical testing. Allele origin: germline.
Comment: This sequence change replaces phenylalanine, which is neutral and non-polar, with leucine, which is neutral and non-polar, at codon 20 of the CASP10 protein (p.Phe20Leu). This variant is not present in population databases (gnomAD no frequency). This variant has not been reported in the literature in individuals affected with CASP10-related conditions. An algorithm developed to predict the effect of missense changes on protein structure and function outputs the following: PolyPhen-2: "Possibly Damaging". The leucine amino acid residue is found in multiple mammalian species, which suggests that this missense change does not adversely affect protein function. In summary, the available evidence is currently insufficient to determine the role of this variant in disease. Therefore, it has been classified as a Variant of Uncertain Significance.

NM_032977.4(CASP10):c.58T>C (p.Phe20Leu)

Gene: CASP10 (caspase 10; plus strand). Cytogenetic location: 2q33.1.
Variant type: single nucleotide variant.
Coding change: c.58T>C on transcript NM_032977.4 (MANE Select); coding-DNA position 58, T replaced by C.
Protein change: p.Phe20Leu; replaces phenylalanine 20 with leucine.
Molecular consequence: missense variant.
Genome position (GRCh38, 1-based): chr2:201,185,835, T>C. VCF-style: chr2-201185835-T-C. GRCh37 (hg19) VCF-style: chr2-202050558-T-C.
Other names: c.58T>C, p.Phe20Leu (NM_001206524.2, NM_001206542.2, NM_001230.5 and 3 more transcripts); short protein forms F20L.
Identifiers: ClinVar variation 4785931 (VCV004785931.1).